The following is an entry in ClinVar:

ClinVar aggregate classification (germline): Uncertain significance (1 of 4 stars; one submission).

Conditions:
RASopathy. Also called: rasopathies; Noonan spectrum disorder. Identifiers: Orphanet 536391, MedGen C5555857, MONDO:0021060.

Submission:

Labcorp Genetics (formerly Invitae), Labcorp
Classification: Uncertain significance for RASopathy. Last evaluated: 2023-03-28. Review status: criteria provided, single submitter. Criteria: Invitae Variant Classification Sherloc (09022015). Collection method: clinical testing. Allele origin: germline.
Comment: This sequence change replaces leucine, which is neutral and non-polar, with valine, which is neutral and non-polar, at codon 232 of the BRAF protein (p.Leu232Val). In summary, the available evidence is currently insufficient to determine the role of this variant in disease. Therefore, it has been classified as a Variant of Uncertain Significance. Advanced modeling of protein sequence and biophysical properties (such as structural, functional, and spatial information, amino acid conservation, physicochemical variation, residue mobility, and thermodynamic stability) performed at Invitae indicates that this missense variant is not expected to disrupt BRAF protein function. This variant has not been reported in the literature in individuals affected with BRAF-related conditions. This variant is not present in population databases (gnomAD no frequency).

NM_004333.6(BRAF):c.694C>G (p.Leu232Val)

Gene: BRAF (B-Raf proto-oncogene, serine/threonine kinase; minus strand). Cytogenetic location: 7q34.
Variant type: single nucleotide variant.
Coding change: c.694C>G on transcript NM_004333.6 (MANE Select); coding-DNA position 694, C replaced by G.
Protein change: p.Leu232Val; replaces leucine 232 with valine.
Molecular consequence: missense variant.
Genome position (GRCh38, 1-based): chr7:140,807,977, G>C on the plus strand (C>G on the coding strand, the complement: BRAF is on the minus strand). VCF-style: chr7-140807977-G-C. GRCh37 (hg19) VCF-style: chr7-140507777-G-C.
Other names: c.694C>G, p.Leu232Val (NM_001354609.2, NM_001374244.1, NM_001374258.1 and 4 more transcripts); c.703C>G, p.Leu235Val (NM_001378467.1); c.592C>G, p.Leu198Val (NM_001378470.1); c.538C>G, p.Leu180Val (NM_001378472.1, NM_001378473.1); c.430C>G, p.Leu144Val (NM_001378475.1); short protein forms L180V, L198V, L144V, L232V, L235V.
Identifiers: ClinVar variation 2850459 (VCV002850459.3), dbSNP rs2536358012, ClinGen allele CA369590974.